The following is an entry in ClinVar:

NM_001378120.1(MBD5):c.-557+6C>A

Gene: MBD5 (methyl-CpG binding domain protein 5; plus strand). Cytogenetic location: 2q23.1.
Variant type: single nucleotide variant.
Coding change: c.-557+6C>A on transcript NM_001378120.1 (MANE Select); 6 bases into the intron after 557 bases upstream of the start codon, C replaced by A.
Molecular consequence: intron variant.
Genome position (GRCh38, 1-based): chr2:148,342,342, C>A. VCF-style: chr2-148342342-C-A. GRCh37 (hg19) VCF-style: chr2-149099911-C-A.
Other names: c.-557+6C>A (NM_018328.5).
Identifiers: ClinVar variation 511860 (VCV000511860.1), dbSNP rs1553503044, ClinGen allele CA658795866.

ClinVar aggregate classification (germline): Likely benign (1 of 4 stars; one submission).

Submission:

GeneDx
Classification: Likely benign. Last evaluated: 2017-09-07. Review status: criteria provided, single submitter. Criteria: GeneDx Variant Classification (06012015). Collection method: clinical testing. Allele origin: germline. Affected: yes.
Comment: This variant is considered likely benign or benign based on one or more of the following criteria: it is a conservative change, it occurs at a poorly conserved position in the protein, it is predicted to be benign by multiple in silico algorithms, and/or has population frequency not consistent with disease.